The following is an entry in ClinVar:

ClinVar aggregate classification (germline): Likely benign. Review status: criteria provided, multiple submitters, no conflicts (2 of 4 stars). 2 submissions from 2 submitters: Likely benign (2). Last evaluated 2026-05-01.

Conditions:
Primary dilated cardiomyopathy (DCM). Also called: Dilated Cardiomyopathy. Identifiers: Orphanet 217604, MedGen C0007193, MeSH D002311, MONDO:0005021, HP:0001644. Inheritance: Various modes of inheritance.

Allele frequency attached by ClinVar (database versions not stated): gnomAD exomes 0.00001.
gnomAD v4.1: 7 of 1,613,538 alleles (0.00043%); highest among the groups gnomAD compares: Non-Finnish European, 0.00059%; no homozygotes.

Submissions (2):

CeGaT Center for Human Genetics Tuebingen
Classification: Likely benign. Last evaluated: 2026-05-01. Review status: criteria provided, single submitter. Criteria: CeGaT Center For Human Genetics Tuebingen Variant Classification Criteria Version 2. Collection method: clinical testing. Allele origin: germline. Affected: yes. Observed: 1 variant allele.
Comment: TXNRD2: BP4, BP7

Labcorp Genetics (formerly Invitae), Labcorp
Classification: Likely benign for Primary dilated cardiomyopathy. Last evaluated: 2023-06-15. Review status: criteria provided, single submitter. Criteria: Invitae Variant Classification Sherloc (09022015). Collection method: clinical testing. Allele origin: germline.

NM_006440.5(TXNRD2):c.1422T>G (p.Thr474=)

Gene: TXNRD2 (thioredoxin reductase 2; minus strand). Cytogenetic location: 22q11.21.
Variant type: single nucleotide variant.
Coding change: c.1422T>G on transcript NM_006440.5 (MANE Select); coding-DNA position 1422, T replaced by G.
Protein change: p.Thr474=; no amino-acid change (threonine 474 retained).
Molecular consequence: synonymous variant. On other transcripts: non-coding transcript variant (1).
Genome position (GRCh38, 1-based): chr22:19,878,113, A>C on the plus strand (T>G on the coding strand, the complement: TXNRD2 is on the minus strand). VCF-style: chr22-19878113-A-C. GRCh37 (hg19) VCF-style: chr22-19865636-A-C.
Other names: c.1419T>G, p.Thr473= (NM_001352300.2); c.1332T>G, p.Thr444= (NM_001352301.2); c.1134T>G, p.Thr378= (NM_001352302.2).
Identifiers: ClinVar variation 1136640 (VCV001136640.13), dbSNP rs2145927131, ClinGen allele CA513360478.